The following is an entry in ClinVar:

NM_032242.4(PLXNA1):c.4920G>A (p.Thr1640=)

Gene: PLXNA1 (plexin A1; plus strand). Cytogenetic location: 3q21.3.
Variant type: single nucleotide variant.
Coding change: c.4920G>A on transcript NM_032242.4 (MANE Select); coding-DNA position 4920, G replaced by A.
Protein change: p.Thr1640=; no amino-acid change (threonine 1640 retained).
Molecular consequence: synonymous variant.
Genome position (GRCh38, 1-based): chr3:127,029,923, G>A. VCF-style: chr3-127029923-G-A. GRCh37 (hg19) VCF-style: chr3-126748766-G-A.
Other names: c.4920G>A (NM_032242.3).
Identifiers: ClinVar variation 2717747 (VCV002717747.11), dbSNP rs376032304, ClinGen allele CA2594567.

ClinVar aggregate classification (germline): Likely benign. Review status: criteria provided, multiple submitters, no conflicts (2 of 4 stars). 3 submissions from 3 submitters: Likely benign (2). 1 of the submissions does not count toward it. Last evaluated 2025-10-01.

Conditions:
PLXNA1-related disorder. Also called: PLXNA1-related condition.

Allele frequency attached by ClinVar (database versions not stated): gnomAD exomes 0.00002; gnomAD 0.00007; TOPMed 0.00007; ESP Exome Variant Server 0.00008; ExAC 0.00009; 1000 Genomes Project 30x 0.00047; 1000 Genomes Project 0.00060.

Submissions (3):

CeGaT Center for Human Genetics Tuebingen
Classification: Likely benign. Last evaluated: 2025-10-01. Review status: criteria provided, single submitter. Criteria: CeGaT Center For Human Genetics Tuebingen Variant Classification Criteria Version 2. Collection method: clinical testing. Allele origin: germline. Affected: yes. Observed: 1 variant allele.
Comment: PLXNA1: BP4, BP7

Labcorp Genetics (formerly Invitae), Labcorp
Classification: Likely benign. Last evaluated: 2023-07-01. Review status: criteria provided, single submitter. Criteria: Invitae Variant Classification Sherloc (09022015). Collection method: clinical testing. Allele origin: germline.

PreventionGenetics, part of Exact Sciences
Classification: Likely benign for PLXNA1-related condition. Last evaluated: 2021-11-19. Review status: no assertion criteria provided. Collection method: clinical testing. Allele origin: germline. Not counted in ClinVar's aggregate classification.
Comment: This variant is classified as likely benign based on ACMG/AMP sequence variant interpretation guidelines (Richards et al. 2015 PMID: 25741868, with internal and published modifications).